The following is an entry in ClinVar:

ClinVar aggregate classification (germline): Uncertain significance (1 of 4 stars; one submission).

Conditions:
Juvenile polyposis syndrome (JPS). Identifiers: Orphanet 2929, MedGen C0345893, MONDO:0017380, OMIM 174900.

Submission:

Labcorp Genetics (formerly Invitae), Labcorp
Classification: Uncertain significance for Juvenile polyposis syndrome. Last evaluated: 2022-09-19. Review status: criteria provided, single submitter. Criteria: Invitae Variant Classification Sherloc (09022015). Collection method: clinical testing. Allele origin: germline.
Comment: In summary, the available evidence is currently insufficient to determine the role of this variant in disease. Therefore, it has been classified as a Variant of Uncertain Significance. Advanced modeling of protein sequence and biophysical properties (such as structural, functional, and spatial information, amino acid conservation, physicochemical variation, residue mobility, and thermodynamic stability) has been performed at Invitae for this missense variant, however the output from this modeling did not meet the statistical confidence thresholds required to predict the impact of this variant on BMPR1A protein function. This variant has not been reported in the literature in individuals affected with BMPR1A-related conditions. This variant is not present in population databases (gnomAD no frequency). This sequence change replaces leucine, which is neutral and non-polar, with phenylalanine, which is neutral and non-polar, at codon 497 of the BMPR1A protein (p.Leu497Phe).

NM_004329.3(BMPR1A):c.1491G>T (p.Leu497Phe)

Gene: BMPR1A (bone morphogenetic protein receptor type 1A; plus strand). Cytogenetic location: 10q23.2.
Variant type: single nucleotide variant.
Coding change: c.1491G>T on transcript NM_004329.3 (MANE Select); coding-DNA position 1491, G replaced by T.
Protein change: p.Leu497Phe; replaces leucine 497 with phenylalanine.
Molecular consequence: missense variant.
Genome position (GRCh38, 1-based): chr10:86,923,611, G>T. VCF-style: chr10-86923611-G-T. GRCh37 (hg19) VCF-style: chr10-88683368-G-T.
Other names: c.1491G>T, p.Leu497Phe (NM_001406565.1, NM_001406566.1, NM_001406567.1 and 19 more transcripts); c.1407G>T, p.Leu469Phe (NM_001406584.1, NM_001406585.1, NM_001406586.1 and 2 more transcripts); c.1149G>T, p.Leu383Phe (NM_001406589.1); c.1566G>T, p.Leu522Phe (NM_001406559.1); c.1539G>T, p.Leu513Phe (NM_001406560.1); c.1485G>T, p.Leu495Phe (NM_001406583.1); short protein forms L383F, L469F, L495F, L497F, L513F, L522F.
Identifiers: ClinVar variation 1719746 (VCV001719746.6), dbSNP rs1554891647, ClinGen allele CA377463714.